The following is an entry in ClinVar:

NM_031407.7(HUWE1):c.2914C>G (p.Gln972Glu)

Gene: HUWE1 (HECT, UBA and WWE domain containing E3 ubiquitin protein ligase 1; minus strand). Cytogenetic location: Xp11.22.
Variant type: single nucleotide variant.
Coding change: c.2914C>G on transcript NM_031407.7 (MANE Select); coding-DNA position 2914, C replaced by G.
Protein change: p.Gln972Glu; replaces glutamine 972 with glutamic acid.
Molecular consequence: missense variant.
Genome position (GRCh38, 1-based): chrX:53,602,621, G>C on the plus strand (C>G on the coding strand, the complement: HUWE1 is on the minus strand). VCF-style: chrX-53602621-G-C. GRCh37 (hg19) VCF-style: chrX-53629582-G-C.
Other names: short protein forms Q972E.
Identifiers: ClinVar variation 3899612 (VCV003899612.2).

ClinVar aggregate classification (germline): Uncertain significance (1 of 4 stars; one submission).

Submission:

GeneDx
Classification: Uncertain significance. Last evaluated: 2025-06-01. Review status: criteria provided, single submitter. Criteria: GeneDx Variant Classification Process June 2021. Collection method: clinical testing. Allele origin: germline.
Comment: Not observed at significant frequency in large population cohorts (gnomAD); In silico analysis suggests that this missense variant does not alter protein structure/function; Has not been previously published as pathogenic or benign to our knowledge